The following is an entry in ClinVar:

NM_001128840.3(CACNA1D):c.3022G>A (p.Val1008Ile)

Gene: CACNA1D (calcium voltage-gated channel subunit alpha1 D; plus strand). Cytogenetic location: 3p21.1.
Variant type: single nucleotide variant.
Coding change: c.3022G>A on transcript NM_001128840.3 (MANE Select); coding-DNA position 3022, G replaced by A.
Protein change: p.Val1008Ile; replaces valine 1008 with isoleucine.
Molecular consequence: missense variant.
Genome position (GRCh38, 1-based): chr3:53,745,639, G>A. VCF-style: chr3-53745639-G-A. GRCh37 (hg19) VCF-style: chr3-53779666-G-A.
Other names: c.3082G>A, p.Val1028Ile (NM_000720.4); c.3022G>A, p.Val1008Ile (NM_001128839.3); short protein forms V1008I, V1028I.
Identifiers: ClinVar variation 3713568 (VCV003713568.2).

ClinVar aggregate classification (germline): Uncertain significance (1 of 4 stars; one submission).

gnomAD v4.1: 8 of 1,613,436 alleles (0.0005%); highest among the groups gnomAD compares: South Asian, 0.0011%; no homozygotes.

Submission:

Labcorp Genetics (formerly Invitae), Labcorp
Classification: Uncertain significance. Last evaluated: 2024-09-30. Review status: criteria provided, single submitter. Criteria: Invitae Variant Classification Sherloc (09022015). Collection method: clinical testing. Allele origin: germline.
Comment: This sequence change replaces valine, which is neutral and non-polar, with isoleucine, which is neutral and non-polar, at codon 1028 of the CACNA1D protein (p.Val1028Ile). This variant is present in population databases (no rsID available, gnomAD 0.01%). This variant has not been reported in the literature in individuals affected with CACNA1D-related conditions. Invitae Evidence Modeling of protein sequence and biophysical properties (such as structural, functional, and spatial information, amino acid conservation, physicochemical variation, residue mobility, and thermodynamic stability) has been performed for this missense variant. However, the output from this modeling did not meet the statistical confidence thresholds required to predict the impact of this variant on CACNA1D protein function. In summary, the available evidence is currently insufficient to determine the role of this variant in disease. Therefore, it has been classified as a Variant of Uncertain Significance.